The following is an entry in ClinVar:

ClinVar aggregate classification (germline): Uncertain significance (1 of 4 stars; one submission).

Allele frequency attached by ClinVar (database versions not stated): gnomAD exomes 0.00002.
gnomAD v4.1: 34 of 1,614,004 alleles (0.0021%); highest among the groups gnomAD compares: Non-Finnish European, 0.0027%; no homozygotes.

Submission:

Labcorp Genetics (formerly Invitae), Labcorp
Classification: Uncertain significance. Last evaluated: 2022-06-07. Review status: criteria provided, single submitter. Criteria: Invitae Variant Classification Sherloc (09022015). Collection method: clinical testing. Allele origin: germline.
Comment: In summary, the available evidence is currently insufficient to determine the role of this variant in disease. Therefore, it has been classified as a Variant of Uncertain Significance. Algorithms developed to predict the effect of missense changes on protein structure and function (SIFT, PolyPhen-2, Align-GVGD) all suggest that this variant is likely to be tolerated. This variant has not been reported in the literature in individuals affected with DDX58-related conditions. This variant is not present in population databases (gnomAD no frequency). This sequence change replaces arginine, which is basic and polar, with glycine, which is neutral and non-polar, at codon 602 of the DDX58 protein (p.Arg602Gly).

NM_014314.4(RIGI):c.1804A>G (p.Arg602Gly)

Gene: RIGI (RNA sensor RIG-I; minus strand). Cytogenetic location: 9p21.1.
Variant type: single nucleotide variant.
Coding change: c.1804A>G on transcript NM_014314.4 (MANE Select); coding-DNA position 1804, A replaced by G.
Protein change: p.Arg602Gly; replaces arginine 602 with glycine.
Molecular consequence: missense variant.
Genome position (GRCh38, 1-based): chr9:32,477,102, T>C on the plus strand (A>G on the coding strand, the complement: RIGI is on the minus strand). VCF-style: chr9-32477102-T-C. GRCh37 (hg19) VCF-style: chr9-32477100-T-C.
Other names: c.1798A>G, p.Arg600Gly (NM_001385907.1); c.1804A>G, p.Arg602Gly (NM_001385909.1); c.1363A>G, p.Arg455Gly (NM_001385910.1); c.1195A>G, p.Arg399Gly (NM_001385912.1); c.1789A>G, p.Arg597Gly (NM_001385913.1); c.1360A>G, p.Arg454Gly (NM_001385914.1); short protein forms R455G, R597G, R602G, R454G, R399G, R600G.
Identifiers: ClinVar variation 2171431 (VCV002171431.4), dbSNP rs958657860, ClinGen allele CA192370431.